The following is an entry in ClinVar:

ClinVar aggregate classification (germline): Likely pathogenic (1 of 4 stars; one submission).

Conditions:
Mucolipidosis type IV (ML4). Also called: ML IV. Identifiers: Orphanet 578, MedGen C0238286, MONDO:0009653, OMIM 252650.

Submission:

Natera, Inc.
Classification: Likely pathogenic for Mucolipidosis type IV. Last evaluated: 2024-05-06. Review status: criteria provided, single submitter. Criteria: Natera Variant Classification Schema (03/2026). Collection method: clinical testing. Allele origin: germline.
Comment: The c.405+1G>T variant in MCOLN1 is a canonical splice donor site variant predicted to affect pre-mRNA splicing, which may result in an abnormal transcript and altered protein product. This variant may result in a truncated or dysfunctional protein product. This variant is rare in the general population with a frequency below the threshold expected for the associated phenotype(s). Another variant at this same site results in an alteration predicted to cause a similar molecular effect has been observed in individual(s) with the associated phenotype. Given the available evidence, this variant is classified as Likely Pathogenic.

NM_020533.3(MCOLN1):c.405+1G>T

Gene: MCOLN1 (mucolipin TRP cation channel 1; plus strand). Cytogenetic location: 19p13.2.
Variant type: single nucleotide variant.
Coding change: c.405+1G>T on transcript NM_020533.3 (MANE Select); the canonical splice donor site of the intron after coding-DNA position 405, G replaced by T.
Molecular consequence: splice donor variant.
Genome position (GRCh38, 1-based): chr19:7,526,607, G>T. VCF-style: chr19-7526607-G-T. GRCh37 (hg19) VCF-style: chr19-7591493-G-T.
Identifiers: ClinVar variation 4816063 (VCV004816063.1).